The following is an entry in ClinVar:

NM_032608.7(MYO18B):c.1580-7C>T

Gene: MYO18B (myosin XVIIIB; plus strand). Cytogenetic location: 22q12.1.
Variant type: single nucleotide variant.
Coding change: c.1580-7C>T on transcript NM_032608.7 (MANE Select); 7 bases into the intron before coding-DNA position 1580, C replaced by T.
Molecular consequence: intron variant.
Genome position (GRCh38, 1-based): chr22:25,770,865, C>T. VCF-style: chr22-25770865-C-T. GRCh37 (hg19) VCF-style: chr22-26166832-C-T.
Other names: c.1580-7C>T (NM_001318245.2).
Identifiers: ClinVar variation 4823799 (VCV004823799.4).

ClinVar aggregate classification (germline): Uncertain significance (1 of 4 stars; one submission).

Submission:

CeGaT Center for Human Genetics Tuebingen
Classification: Uncertain significance. Last evaluated: 2026-03-01. Review status: criteria provided, single submitter. Criteria: CeGaT Center For Human Genetics Tuebingen Variant Classification Criteria Version 2. Collection method: clinical testing. Allele origin: germline. Affected: yes. Observed: 1 variant allele.
Comment: MYO18B: PM2, BP4